The following is an entry in ClinVar:

NM_001042492.3(NF1):c.6190T>C (p.Ser2064Pro)

Gene: NF1 (neurofibromin 1; plus strand). Cytogenetic location: 17q11.2.
Variant type: single nucleotide variant.
Coding change: c.6190T>C on transcript NM_001042492.3 (MANE Select); coding-DNA position 6190, T replaced by C.
Protein change: p.Ser2064Pro; replaces serine 2064 with proline.
Molecular consequence: missense variant.
Genome position (GRCh38, 1-based): chr17:31,336,677, T>C. VCF-style: chr17-31336677-T-C. GRCh37 (hg19) VCF-style: chr17-29663695-T-C.
Other names: c.6127T>C, p.Ser2043Pro (NM_000267.4); short protein forms S2043P, S2064P.
Identifiers: ClinVar variation 2011832 (VCV002011832.4), dbSNP rs2508748116, ClinGen allele CA399011826.

ClinVar aggregate classification (germline): Uncertain significance (1 of 4 stars; one submission).

Conditions:
Neurofibromatosis, type 1 (NF1). Also called: Neurofibromatosis, type I; Peripheral type neurofibromatosis; VON RECKLINGHAUSEN DISEASE; NEUROFIBROMATOSIS, TYPE I, SOMATIC. Identifiers: Orphanet 636, MedGen C0027831, MONDO:0018975, OMIM 162200. Disease mechanism: loss of function.

Submission:

Labcorp Genetics (formerly Invitae), Labcorp
Classification: Uncertain significance for Neurofibromatosis, type 1. Last evaluated: 2022-06-28. Review status: criteria provided, single submitter. Criteria: Invitae Variant Classification Sherloc (09022015). Collection method: clinical testing. Allele origin: germline.
Comment: In summary, the available evidence is currently insufficient to determine the role of this variant in disease. Therefore, it has been classified as a Variant of Uncertain Significance. Advanced modeling of protein sequence and biophysical properties (such as structural, functional, and spatial information, amino acid conservation, physicochemical variation, residue mobility, and thermodynamic stability) performed at Invitae indicates that this missense variant is expected to disrupt NF1 protein function. This variant has not been reported in the literature in individuals affected with NF1-related conditions. This variant is not present in population databases (gnomAD no frequency). This sequence change replaces serine, which is neutral and polar, with proline, which is neutral and non-polar, at codon 2043 of the NF1 protein (p.Ser2043Pro).